The following is an entry in ClinVar:

NM_052845.4(MMAB):c.700C>T (p.Gln234Ter)

Gene: MMAB (metabolism of cobalamin associated B; minus strand). Cytogenetic location: 12q24.11.
Variant type: single nucleotide variant.
Coding change: c.700C>T on transcript NM_052845.4 (MANE Select); coding-DNA position 700, C replaced by T.
Protein change: p.Gln234Ter; replaces glutamine 234 with a stop codon.
Molecular consequence: nonsense. On other transcripts: non-coding transcript variant (1).
Genome position (GRCh38, 1-based): chr12:109,557,081, G>A on the plus strand (C>T on the coding strand, the complement: MMAB is on the minus strand). VCF-style: chr12-109557081-G-A. GRCh37 (hg19) VCF-style: chr12-109994886-G-A.
Other names: short protein forms Q234*.
Identifiers: ClinVar variation 203820 (VCV000203820.25), dbSNP rs369296618, ClinGen allele CA312718.
Genomic context (GRCh38, chr12:109,557,081, plus strand): 5'-TGTGATTTCAGAGTCCCTCAGACTCGGCCGATGGGTCATTTTTCATGTATATTTTCTCTT[G>A]ATTCCCCTCCTTCATGGCTGCATATCTGGCTAGCGTGAAGAGATAGTCACTGAGTCTGGA-3'

ClinVar aggregate classification (germline): Pathogenic. Review status: criteria provided, multiple submitters, no conflicts (2 of 4 stars). 11 submissions from 11 submitters: Pathogenic (9). 2 of the submissions do not count toward it. Last evaluated 2026-01-27.

Conditions:
MMAB-related disorder. Also called: MMAB-related condition.
Methylmalonic acidemia (MMA). Also called: Isolated Methylmalonic Acidemia. Identifiers: MedGen C0268583, MeSH C537358, MONDO:0002012, HP:0002912.
Methylmalonic aciduria, cblB type (MACB). Also called: Vitamin B12-responsive methylmalonic acidemia type cblB; Methylmalonic acidemia cblB type; METHYLMALONIC ACIDURIA, VITAMIN B12-RESPONSIVE, DUE TO DEFECT IN SYNTHESIS OF ADENOSYLCOBALAMIN, cblB TYPE. Identifiers: Orphanet 28, Orphanet 79311, MedGen C1855102, MONDO:0009614, OMIM 251110.

Allele frequency attached by ClinVar (database versions not stated): gnomAD 0.00003 and 0.00004; gnomAD exomes 0.00018 and 0.00003; TOPMed 0.00004; ESP Exome Variant Server 0.00008; ExAC 0.00003.
gnomAD v4.1: 266 of 1,613,778 alleles (0.016%); highest among the groups gnomAD compares: Non-Finnish European, 0.022%; no homozygotes.

Submissions (11):

PreventionGenetics, part of Exact Sciences
Classification: Pathogenic for MMAB-related condition. Last evaluated: 2026-01-27. Review status: criteria provided, single submitter. Criteria: ACMG Guidelines, 2015. Collection method: clinical testing. Allele origin: germline.
Comment: The MMAB c.700C>T variant is predicted to result in premature protein termination (p.Gln234*). This variant has been reported in the homozygous and compound heterozygous states in individuals with methylmalonic aciduria (Lerner-Ellis et al. 2006. PubMed ID: 16410054; Forny et al. 2021. PubMed ID: 34796408). This variant is reported in 0.0062% of alleles in individuals of European (Non-Finnish) descent in gnomAD and interpreted as pathogenic in ClinVar. Nonsense variants in MMAB are expected to be pathogenic. This variant is interpreted as pathogenic.

Natera, Inc.
Classification: Pathogenic for Methylmalonic aciduria cblB type. Last evaluated: 2025-09-30. Review status: criteria provided, single submitter. Criteria: Natera Variant Classification Schema (03/2026). Collection method: clinical testing. Allele origin: germline.
Comment: The c.700C>T variant in MMAB is a nonsense variant predicted to introduce a stop codon at amino acid 234. This variant may result in a truncated or dysfunctional protein product. This variant is rare in the general population with a frequency below the threshold expected for the associated phenotype(s). This variant has been observed in one or more individuals affected with the associated recessive disease, as either homozygous or compound heterozygous with a second variant (PMID: 34796408, 16410054). Given the available evidence, this variant is classified as Pathogenic.

Revvity Omics, Revvity
Classification: Pathogenic for Methylmalonic aciduria, cblB type. Last evaluated: 2025-01-10. Review status: criteria provided, single submitter. Criteria: ACMG Guidelines, 2015. Collection method: clinical testing. Allele origin: germline.

Labcorp Genetics (formerly Invitae), Labcorp
Classification: Pathogenic for Methylmalonic aciduria, cblB type. Last evaluated: 2024-10-13. Review status: criteria provided, single submitter. Criteria: Invitae Variant Classification Sherloc (09022015). Collection method: clinical testing. Allele origin: germline.
Comment: This sequence change creates a premature translational stop signal (p.Gln234*) in the MMAB gene. While this is not anticipated to result in nonsense mediated decay, it is expected to disrupt the last 17 amino acid(s) of the MMAB protein. This variant is present in population databases (rs369296618, gnomAD 0.006%). This premature translational stop signal has been observed in individuals with methylmalonic aciduria (PMID: 16410054). ClinVar contains an entry for this variant (Variation ID: 203820). Algorithms developed to predict the effect of variants on gene product structure and function are not available or were not evaluated for this variant. Experimental studies have shown that this premature translational stop signal affects MMAB function (PMID: 21604717). Algorithms developed to predict the effect of sequence changes on RNA splicing suggest that this variant may disrupt the consensus splice site. For these reasons, this variant has been classified as Pathogenic.

Blueprint Genetics
Classification: Pathogenic for MMAB-related disorders. Last evaluated: 2024-07-15. Review status: criteria provided, single submitter. Criteria: ACMG Guidelines, 2015. Collection method: clinical testing. Allele origin: germline. Affected: yes. Observed: 5 variant alleles.

Victorian Clinical Genetics Services, Murdoch Childrens Research Institute
Classification: Pathogenic for Methylmalonic aciduria, cblB type. Last evaluated: 2023-07-17. Review status: criteria provided, single submitter. Criteria: ACMG Guidelines, 2015. Collection method: clinical testing. Allele origin: germline. Inheritance: Autosomal recessive inheritance.
Comment: Based on the classification scheme VCGS_Germline_v1.3.4, this variant is classified as Pathogenic. Following criteria are met: 0102 - Loss of function is a known mechanism of disease in this gene and is associated with vitamin B12-responsive methylmalonic aciduria cblB type (MIM#251110). (I) 0106 - This gene is associated with autosomal recessive disease. (I) 0115 - Variants in this gene are known to have variable expressivity (GeneReviews). (I) 0205 - Variant is predicted to result in a truncated protein (premature termination codon is NOT located at least 54 nucleotides upstream of the final exon-exon junction) with less than 1/3 of the protein sequence affected. (SP) 0251 - This variant is heterozygous. (I) 0304 - Variant is present in gnomAD <0.01 for a recessive condition (v2 & v3: 13 heterozygotes, 0 homozygotes). (SP) 0604 - Variant is not located in an established domain, motif, hotspot or informative constraint region. (I) 0801 - This variant has very strong previous evidence of pathogenicity in unrelated individuals. It has been reported in multiple individuals with methylmalonic aciduria cblB type (PMID: 16410054) and regarded as pathogenic in ClinVar. It is usually associated with a milder phenotype and later onset (GeneReviews). (I) Legend: (SP) - Supporting pathogenic, (I) - Information, (SB) - Supporting benign

Women's Health and Genetics/Laboratory Corporation of America, LabCorp
Classification: Pathogenic for Methylmalonic acidemia. Last evaluated: 2018-12-17. Review status: criteria provided, single submitter. Criteria: LabCorp Variant Classification Summary - May 2015. Collection method: clinical testing. Allele origin: germline.
Comment: Variant summary: MMAB c.700C>T (p.Gln234X) results in a premature termination codon, predicted to cause a truncation of the encoded protein or absence of the protein due to nonsense mediated decay, which are commonly known mechanisms for disease. The variant allele was found at a frequency of 3.2e-05 in 246252 control chromosomes. c.700C>T has been reported in the literature in multiple individuals affected with Methylmalonic Acidemia (Lerner-Ellis_2006, O'Shea_2012). One publication reports that ibroblasts from patients with this mutation in homozygous or heterozygous form had higher levels of MCM function than most cblB fibroblasts however that was not found to correlated with any reduction in severity of clinical presentation (Lerner-Ellis_2006). These data indicate that the variant is very likely to be associated with disease. Two clinical diagnostic laboratories have submitted clinical-significance assessments for this variant to ClinVar after 2014 without evidence for independent evaluation. All laboratories classified the variant as pathogenic. Based on the evidence outlined above, the variant was classified as pathogenic.

Center for Pediatric Genomic Medicine, Children's Mercy Hospital and Clinics
Classification: Pathogenic. Last evaluated: 2016-10-10. Review status: criteria provided, single submitter. Criteria: ACMG Guidelines, 2015. Collection method: clinical testing. Allele origin: germline.

Laboratory for Molecular Medicine, Mass General Brigham Personalized Medicine
Classification: Pathogenic for Methylmalonic aciduria cblB type. Last evaluated: 2014-11-10. Review status: criteria provided, single submitter. Criteria: LMM Criteria. Collection method: clinical testing. Allele origin: germline. Inheritance: Autosomal recessive inheritance. Observed: 1 variant allele. Study: CSER-MedSeq.
Comment: The p.Gln234X variant in MMAB has been reported in 4 compound heterozygous and 2 homozygous individuals with methylmalonic aciduria (Lerner-Ellis 2006). This variant has been identified in 0.012% (1/8600) of European American chromosomes by the NHLBI Exome Sequencing Project (dbSNP rs369296618). Although this variant has been seen in the general population, its frequency is low enough to be consistent with a recessive carrier frequency. This nonsense variant leads to a premature termination codon at position 234. This alteration occurs within the last exon and is therefore more likely to escape nonsense mediated decay (NMD) and result in a truncated protein. In vitro functional studies provide some evidence that the p.Gln234X variant may impact protein function (Lofgren 2011); however, in vitro assays may not accurately represent biological function. In summary, although additional studies are required to fully establish its clinical significance, the p.Gln234X variant is likely pathogenic.

Baumgartner lab, University Children's Hospital Zurich
Classification: Pathogenic for Methylmalonic aciduria, cblB type. Last evaluated: 2021-06-01. Review status: no assertion criteria provided. Collection method: clinical testing. Allele origin: germline. Affected: yes. Not counted in ClinVar's aggregate classification.

GeneReviews
No classification provided. Condition: Methylmalonic aciduria, cblB type. Review status: no classification provided. Collection method: literature only. Allele origin: germline. Affected: yes. Not counted in ClinVar's aggregate classification.

Literature cited by the submitters: PubMed 34796408 (cited by Natera, Inc.); PubMed 16410054 (cited by 5 submitters); PubMed 21604717 (cited by 3 submitters); PubMed 22614770 (cited by Women's Health and Genetics/Laboratory Corporation of America, LabCorp); NCBI Bookshelf NBK1231 (cited by GeneReviews).